The following is an entry in ClinVar:

ClinVar aggregate classification (germline): Conflicting classifications of pathogenicity. Review status: criteria provided, conflicting classifications (1 of 4 stars). 4 submissions from 4 submitters: Uncertain significance (3); Likely benign (1). Last evaluated 2026-02-16.

Conditions:
Bartter disease type 1. Also called: HYPERPROSTAGLANDIN E SYNDROME 1; HYPOKALEMIC ALKALOSIS WITH HYPERCALCIURIA 1, ANTENATAL; Bartter syndrome, type 1, antenatal; Bartter Syndrome type 1. Identifiers: Orphanet 112, Orphanet 620217, MedGen C1866495, MONDO:0100344, OMIM 601678, MONDO:0011127.

Allele frequency attached by ClinVar (database versions not stated): gnomAD 0.00004 and 0.00007; gnomAD exomes 0.00005 and 0.00019; ESP Exome Variant Server 0.00008; TOPMed 0.00015; ExAC 0.00019; 1000 Genomes Project 0.00020; 1000 Genomes Project 30x 0.00031.
gnomAD v4.1: 93 of 1,613,638 alleles (0.0058%); highest among the groups gnomAD compares: East Asian, 0.12%; no homozygotes.

Submissions (4):

Women's Health and Genetics/Laboratory Corporation of America, LabCorp
Classification: Uncertain significance. Last evaluated: 2026-02-16. Review status: criteria provided, single submitter. Criteria: LabCorp Variant Classification Summary - May 2015. Collection method: clinical testing. Allele origin: germline.
Comment: Variant summary: SLC12A1 c.463G>A (p.Gly155Ser) results in a non-conservative amino acid change in the encoded protein sequence. Algorithms developed to predict the effect of missense changes on protein structure and function all suggest that this variant is likely to be disruptive. The variant allele was found at a frequency of 0.00019 in 250328 control chromosomes (gnomAD). This frequency is not significantly higher than estimated for disease-causing variants in SLC12A1, allowing no conclusion about variant significance. c.463G>A has been observed in one individual affected with Bartter Syndrome, Type 1 (Sung_2018). These data do not allow any conclusion about variant significance. To our knowledge, no experimental evidence demonstrating an impact on protein function has been reported. The following publication have been ascertained in the context of this evaluation (PMID: 30076350). ClinVar contains an entry for this variant (Variation ID: 887271). Based on the evidence outlined above, the variant was classified as uncertain significance.

Labcorp Genetics (formerly Invitae), Labcorp
Classification: Likely benign. Last evaluated: 2025-10-27. Review status: criteria provided, single submitter. Criteria: Invitae Variant Classification Sherloc (09022015). Collection method: clinical testing. Allele origin: germline.

Fulgent Genetics
Classification: Uncertain significance for Bartter disease type 1. Last evaluated: 2022-02-24. Review status: criteria provided, single submitter. Criteria: ACMG Guidelines, 2015. Collection method: clinical testing. Allele origin: unknown.

Illumina Laboratory Services, Illumina
Classification: Uncertain significance for Bartter disease type 1. Last evaluated: 2018-01-13. Review status: criteria provided, single submitter. Criteria: ICSL Variant Classification Criteria 13 December 2019. Collection method: clinical testing. Allele origin: germline.

Literature cited by the submitters: PubMed 30076350 (cited by Women's Health and Genetics/Laboratory Corporation of America, LabCorp).

NM_000338.3(SLC12A1):c.463G>A (p.Gly155Ser)

Gene: SLC12A1 (solute carrier family 12 member 1; plus strand). Cytogenetic location: 15q21.1.
Variant type: single nucleotide variant.
Coding change: c.463G>A on transcript NM_000338.3 (MANE Select); coding-DNA position 463, G replaced by A.
Protein change: p.Gly155Ser; replaces glycine 155 with serine.
Molecular consequence: missense variant.
Genome position (GRCh38, 1-based): chr15:48,220,676, G>A. VCF-style: chr15-48220676-G-A. GRCh37 (hg19) VCF-style: chr15-48512873-G-A.
Other names: c.463G>A, p.Gly155Ser (NM_001184832.2); short protein forms G155S.
Identifiers: ClinVar variation 887271 (VCV000887271.8), dbSNP rs145003411, ClinGen allele CA7546765.